The following is an entry in ClinVar:

NM_030777.4(SLC2A10):c.1547+223G>T

Gene: SLC2A10 (solute carrier family 2 member 10; plus strand). Cytogenetic location: 20q13.12.
Variant type: single nucleotide variant.
Coding change: c.1547+223G>T on transcript NM_030777.4 (MANE Select); 223 bases into the intron after coding-DNA position 1547, G replaced by T.
Molecular consequence: intron variant.
Genome position (GRCh38, 1-based): chr20:46,729,711, G>T. VCF-style: chr20-46729711-G-T. GRCh37 (hg19) VCF-style: chr20-45358350-G-T.
Identifiers: ClinVar variation 678605 (VCV000678605.2), dbSNP rs3091961, ClinGen allele CA14829530.

ClinVar aggregate classification (germline): Benign. Review status: criteria provided, multiple submitters, no conflicts (2 of 4 stars). 2 submissions from 2 submitters: Benign (2). Last evaluated 2018-06-18.

Allele frequency attached by ClinVar (database versions not stated): TOPMed 0.36598; 1000 Genomes Project 30x 0.36977; 1000 Genomes Project 0.37620; gnomAD 0.38349 and 0.38932.

Submissions (2):

GeneDx
Classification: Benign. Last evaluated: 2018-06-18. Review status: criteria provided, single submitter. Criteria: GeneDx Variant Classification (06012015). Collection method: clinical testing. Allele origin: germline. Affected: yes.
Comment: This variant is considered likely benign or benign based on one or more of the following criteria: it is a conservative change, it occurs at a poorly conserved position in the protein, it is predicted to be benign by multiple in silico algorithms, and/or has population frequency not consistent with disease.

Breakthrough Genomics
Classification: Benign. Review status: criteria provided, single submitter. Criteria: ACMG Guidelines, 2015. Collection method: not provided. Allele origin: germline. Inheritance: Autosomal recessive inheritance. Affected: yes.